The following is an entry in ClinVar:

ClinVar aggregate classification (germline): Benign/Likely benign. Review status: criteria provided, multiple submitters, no conflicts (2 of 4 stars). 3 submissions from 3 submitters: Benign (1); Likely benign (1). 1 of the submissions does not count toward it. Last evaluated 2023-05-01.

Conditions:
DCPS-related disorder. Also called: DCPS-related condition.

Allele frequency attached by ClinVar (database versions not stated): gnomAD exomes 0.00017 and 0.00048; ExAC 0.00055; gnomAD 0.00202 and 0.00215; 1000 Genomes Project 0.00220; ESP Exome Variant Server 0.00246; 1000 Genomes Project 30x 0.00250; TOPMed 0.00256.
gnomAD v4.1: 588 of 1,614,218 alleles (0.036%); highest among the groups gnomAD compares: African/African-American, 0.66%; 4 homozygotes.

Submissions (3):

CeGaT Center for Human Genetics Tuebingen
Classification: Likely benign. Last evaluated: 2023-05-01. Review status: criteria provided, single submitter. Criteria: CeGaT Center For Human Genetics Tuebingen Variant Classification Criteria Version 2. Collection method: clinical testing. Allele origin: germline. Affected: yes. Observed: 2 variant alleles.
Comment: DCPS: BP4, BP7

Labcorp Genetics (formerly Invitae), Labcorp
Classification: Benign. Last evaluated: 2019-12-31. Review status: criteria provided, single submitter. Criteria: Invitae Variant Classification Sherloc (09022015). Collection method: clinical testing. Allele origin: germline.

PreventionGenetics, part of Exact Sciences
Classification: Likely benign for DCPS-related condition. Last evaluated: 2020-02-04. Review status: no assertion criteria provided. Collection method: clinical testing. Allele origin: germline. Not counted in ClinVar's aggregate classification.
Comment: This variant is classified as likely benign based on ACMG/AMP sequence variant interpretation guidelines (Richards et al. 2015 PMID: 25741868, with internal and published modifications).

NM_014026.6(DCPS):c.804C>T (p.His268=)

Genes: DCPS (decapping enzyme, scavenger; plus strand), GSEC (G-quadruplex forming sequence containing lncRNA; minus strand). Cytogenetic location: 11q24.2.
Variant type: single nucleotide variant.
Coding change: c.804C>T on transcript NM_014026.6 (MANE Select); coding-DNA position 804, C replaced by T.
Protein change: p.His268=; no amino-acid change (histidine 268 retained).
Molecular consequence: synonymous variant.
Genome position (GRCh38, 1-based): chr11:126,345,403, C>T. VCF-style: chr11-126345403-C-T. GRCh37 (hg19) VCF-style: chr11-126215298-C-T.
Other names: c.825C>T, p.His275= (NM_001350236.2).
Identifiers: ClinVar variation 749774 (VCV000749774.29), dbSNP rs142492066, ClinGen allele CA6355163.
Genomic context (GRCh38, chr11:126,345,403, plus strand): 5'-TCAGGAGGCCATCCTGCAGCGCTACCGGATGAAGGGAGACCATCTGCGAGTATACCTGCA[C>T]TACCTGCCCTCCTACTACCACCTGCATGTGCACTTCACCGCCCTGGGCTTCGAGGCCCCC-3'
Protein context (NP_054745.1, residues 258-278): MKGDHLRVYL[His268=]YLPSYYHLHV